The following is an entry in ClinVar:

ClinVar aggregate classification (germline): Uncertain significance (1 of 4 stars; one submission).

Conditions:
Charcot-Marie-Tooth disease axonal type 2Z. Also called: CHARCOT-MARIE-TOOTH DISEASE, AXONAL, AUTOSOMAL DOMINANT, TYPE 2Z; CHARCOT-MARIE-TOOTH NEUROPATHY, TYPE 2Z. Identifiers: Orphanet 466768, MedGen C5569025, MONDO:0014736, OMIM 616688.

Submission:

Labcorp Genetics (formerly Invitae), Labcorp
Classification: Uncertain significance for Charcot-Marie-Tooth disease axonal type 2Z. Last evaluated: 2019-08-12. Review status: criteria provided, single submitter. Criteria: Invitae Variant Classification Sherloc (09022015). Collection method: clinical testing. Allele origin: germline.
Comment: This sequence change replaces glutamine with arginine at codon 511 of the MORC2 protein (p.Gln511Arg). The glutamine residue is highly conserved and there is a small physicochemical difference between glutamine and arginine. In summary, the available evidence is currently insufficient to determine the role of this variant in disease. Therefore, it has been classified as a Variant of Uncertain Significance. Algorithms developed to predict the effect of missense changes on protein structure and function are either unavailable or do not agree on the potential impact of this missense change (SIFT: "Tolerated"; PolyPhen-2: "Possibly Damaging"; Align-GVGD: "Class C0"). This variant has not been reported in the literature in individuals with MORC2-related conditions. This variant is not present in population databases (ExAC no frequency).

NM_001303256.3(MORC2):c.1532A>G (p.Gln511Arg)

Gene: MORC2 (MORC family CW-type zinc finger 2; minus strand). Cytogenetic location: 22q12.2.
Variant type: single nucleotide variant.
Coding change: c.1532A>G on transcript NM_001303256.3 (MANE Select); coding-DNA position 1532, A replaced by G.
Protein change: p.Gln511Arg; replaces glutamine 511 with arginine.
Molecular consequence: missense variant.
Genome position (GRCh38, 1-based): chr22:30,937,004, T>C on the plus strand (A>G on the coding strand, the complement: MORC2 is on the minus strand). VCF-style: chr22-30937004-T-C. GRCh37 (hg19) VCF-style: chr22-31332991-T-C.
Other names: c.1532A>G, p.Gln511Arg (NM_001303257.2); c.1346A>G, p.Gln449Arg (NM_014941.3); short protein forms Q449R, Q511R.
Identifiers: ClinVar variation 941940 (VCV000941940.8), dbSNP rs2040663423, ClinGen allele CA411237556.